The following is an entry in ClinVar:

NM_207361.6(FREM2):c.2383_2387del (p.Val795fs)

Gene: FREM2 (FRAS1 related extracellular matrix 2; plus strand). Cytogenetic location: 13q13.3.
Variant type: Deletion.
Coding change: c.2383_2387del on transcript NM_207361.6 (MANE Select); coding-DNA positions 2383 to 2387, 5 bases deleted (GTGGC; older notation c.2383_2387delGTGGC).
Protein change: p.Val795fs; shifts the reading frame from valine 795.
Molecular consequence: frameshift variant.
Genome position (GRCh38, 1-based): chr13:38,689,727-38,689,731, GTGGC deleted; deleting any 5 consecutive bases within chr13:38,689,724-38,689,731 gives the same sequence; the c. name uses the placement nearest the transcript's 3' end. VCF-style (leftmost placement, unchanged base first): chr13-38689723-GGGCGT-G. GRCh37 (hg19) VCF-style: chr13-39263860-GGGCGT-G.
Other names: short protein forms V795fs.
Identifiers: ClinVar variation 4777761 (VCV004777761.1).
Genomic context (GRCh38, chr13:38,689,723, plus strand): 5'-TTTTACCCAAGCCCAGATCAACCATCATAAAATTGCTTACAGACCCCCGGGTCAAGAACT[GGGCGT>G]GGCTACTCGAGTGGCCCAGTTCCAGTTCCAGGTGGAAGACCGAGCTGGGAATGTGGCTCC-3'

ClinVar aggregate classification (germline): Pathogenic (1 of 4 stars; one submission).

Submission:

Labcorp Genetics (formerly Invitae), Labcorp
Classification: Pathogenic. Last evaluated: 2026-01-11. Review status: criteria provided, single submitter. Criteria: Invitae Variant Classification Sherloc (09022015). Collection method: clinical testing. Allele origin: germline.
Comment: This sequence change creates a premature translational stop signal (p.Val795Tyrfs*35) in the FREM2 gene. It is expected to result in an absent or disrupted protein product. Loss-of-function variants in FREM2 are known to be pathogenic (PMID: 18203166, 26552811). This variant is not present in population databases (gnomAD no frequency). This variant has not been reported in the literature in individuals affected with FREM2-related conditions. For these reasons, this variant has been classified as Pathogenic.

Literature cited by the submitters: PubMed 18203166; PubMed 26552811.